The following is an entry in ClinVar:

ClinVar aggregate classification (germline): Uncertain significance (1 of 4 stars; one submission).

Submission:

Labcorp Genetics (formerly Invitae), Labcorp
Classification: Uncertain significance. Last evaluated: 2022-09-13. Review status: criteria provided, single submitter. Criteria: Invitae Variant Classification Sherloc (09022015). Collection method: clinical testing. Allele origin: germline.
Comment: This sequence change replaces asparagine, which is neutral and polar, with serine, which is neutral and polar, at codon 542 of the CACNA1F protein (p.Asn542Ser). This variant is not present in population databases (gnomAD no frequency). This variant has not been reported in the literature in individuals affected with CACNA1F-related conditions. Advanced modeling of protein sequence and biophysical properties (such as structural, functional, and spatial information, amino acid conservation, physicochemical variation, residue mobility, and thermodynamic stability) performed at Invitae indicates that this missense variant is expected to disrupt CACNA1F protein function. In summary, the available evidence is currently insufficient to determine the role of this variant in disease. Therefore, it has been classified as a Variant of Uncertain Significance.

NM_001256789.3(CACNA1F):c.1592A>G (p.Asn531Ser)

Gene: CACNA1F (calcium voltage-gated channel subunit alpha1 F; minus strand). Cytogenetic location: Xp11.23.
Variant type: single nucleotide variant.
Coding change: c.1592A>G on transcript NM_001256789.3 (MANE Select); coding-DNA position 1592, A replaced by G.
Protein change: p.Asn531Ser; replaces asparagine 531 with serine.
Molecular consequence: missense variant.
Genome position (GRCh38, 1-based): chrX:49,225,968, T>C on the plus strand (A>G on the coding strand, the complement: CACNA1F is on the minus strand). VCF-style: chrX-49225968-T-C. GRCh37 (hg19) VCF-style: chrX-49082430-T-C.
Other names: c.1430A>G, p.Asn477Ser (NM_001256790.3); c.1625A>G, p.Asn542Ser (NM_005183.4); short protein forms N531S, N542S, N477S.
Identifiers: ClinVar variation 2009396 (VCV002009396.4), dbSNP rs2519123421, ClinGen allele CA412916299.